The following is an entry in ClinVar:

NM_005660.3(SLC35A2):c.631C>T (p.Leu211Phe)

Gene: SLC35A2 (solute carrier family 35 member A2; minus strand). Cytogenetic location: Xp11.23.
Variant type: single nucleotide variant.
Coding change: c.631C>T on transcript NM_005660.3 (MANE Select); coding-DNA position 631, C replaced by T.
Protein change: p.Leu211Phe; replaces leucine 211 with phenylalanine.
Molecular consequence: missense variant. On other transcripts: intron variant (3).
Genome position (GRCh38, 1-based): chrX:48,905,278, G>A on the plus strand (C>T on the coding strand, the complement: SLC35A2 is on the minus strand). VCF-style: chrX-48905278-G-A. GRCh37 (hg19) VCF-style: chrX-48762555-G-A.
Other names: c.427-386C>T (NM_001282647.2, NM_001032289.3); c.355-386C>T (NM_001282648.2); c.631C>T, p.Leu211Phe (NM_001042498.3); c.448C>T, p.Leu150Phe (NM_001282649.2); c.670C>T, p.Leu224Phe (NM_001282650.2); c.715C>T, p.Leu239Phe (NM_001282651.2); short protein forms L211F, L239F, L150F, L224F.
Identifiers: ClinVar variation 4631290 (VCV004631290.1).

ClinVar aggregate classification (germline): Uncertain significance (1 of 4 stars; one submission).

Conditions:
Inborn genetic diseases. Identifiers: MedGen C0950123, MeSH D030342.

Submission:

Ambry Genetics
Classification: Uncertain significance for Inborn genetic diseases. Last evaluated: 2025-10-29. Review status: criteria provided, single submitter. Criteria: Ambry Variant Classification Scheme 2023. Collection method: clinical testing. Allele origin: germline.
Comment: The c.631C>T (p.L211F) alteration is located in exon 4 (coding exon 4) of the SLC35A2 gene. This alteration results from a C to T substitution at nucleotide position 631, causing the leucine (L) at amino acid position 211 to be replaced by a phenylalanine (F). Based on data from gnomAD, the T allele has an overall frequency of <0.001% (0/150586) total alleles studied. The highest observed frequency was <0.001% (/) of alleles. Based on insufficient or conflicting evidence, the clinical significance of this alteration remains unclear.